The following is an entry in ClinVar:

ClinVar aggregate classification (germline): Likely pathogenic (1 of 4 stars; one submission).

Submission:

GeneDx
Classification: Likely pathogenic. Last evaluated: 2019-11-25. Review status: criteria provided, single submitter. Criteria: GeneDx Variant Classification Process June 2021. Collection method: clinical testing. Allele origin: germline. Affected: yes.
Comment: Not observed in large population cohorts (Lek et al., 2016); In silico analysis, which includes protein predictors and evolutionary conservation, supports a deleterious effect; Has not been previously published as pathogenic or benign to our knowledge

NM_183357.3(ADCY5):c.2087T>C (p.Met696Thr)

Gene: ADCY5 (adenylate cyclase 5; minus strand). Cytogenetic location: 3q21.1.
Variant type: single nucleotide variant.
Coding change: c.2087T>C on transcript NM_183357.3 (MANE Select); coding-DNA position 2087, T replaced by C.
Protein change: p.Met696Thr; replaces methionine 696 with threonine.
Molecular consequence: missense variant.
Genome position (GRCh38, 1-based): chr3:123,325,323, A>G on the plus strand (T>C on the coding strand, the complement: ADCY5 is on the minus strand). VCF-style: chr3-123325323-A-G. GRCh37 (hg19) VCF-style: chr3-123044170-A-G.
Other names: c.1037T>C, p.Met346Thr (NM_001199642.1); c.2087T>C, p.Met696Thr (NM_001378259.1); short protein forms M346T, M696T.
Identifiers: ClinVar variation 1201606 (VCV001201606.3), dbSNP rs2108372289, ClinGen allele CA354218236.